The following is an entry in ClinVar:

ClinVar aggregate classification (germline): Uncertain significance (1 of 4 stars; one submission).

Submission:

Mayo Clinic Laboratories, Mayo Clinic
Classification: Uncertain significance. Last evaluated: 2024-12-28. Review status: criteria provided, single submitter. Criteria: ACMG Guidelines, 2015. Collection method: clinical testing. Allele origin: germline. Observed: 1 variant allele.
Comment: PM2_supporting

NM_001377137.1(GBF1):c.3305A>G (p.Gln1102Arg)

Gene: GBF1 (golgi brefeldin A resistant guanine nucleotide exchange factor 1; plus strand). Cytogenetic location: 10q24.32.
Variant type: single nucleotide variant.
Coding change: c.3305A>G on transcript NM_001377137.1 (MANE Select); coding-DNA position 3305, A replaced by G.
Protein change: p.Gln1102Arg; replaces glutamine 1102 with arginine.
Molecular consequence: missense variant. On other transcripts: non-coding transcript variant (5).
Genome position (GRCh38, 1-based): chr10:102,369,950, A>G. VCF-style: chr10-102369950-A-G. GRCh37 (hg19) VCF-style: chr10-104129707-A-G.
Other names: p.Gln1101Arg; c.3305A>G, p.Gln1102Arg (NM_001199378.2, NM_001391923.1); c.3302A>G, p.Gln1101Arg (NM_001199379.2, NM_001377141.1, NM_001391924.1 and 3 more transcripts); c.3266A>G, p.Gln1089Arg (NM_001377138.1, NM_001391925.1); c.3008A>G, p.Gln1003Arg (NM_001377139.1, NM_001377140.1); c.3401A>G, p.Gln1134Arg (NM_001391922.1, NM_001411027.1); c.3269A>G, p.Gln1090Arg (NM_001391926.1); c.3161A>G, p.Gln1054Arg (NM_001391928.1); and 3 more; short protein forms Q1054R, Q1101R, Q1134R, Q1089R, Q1090R, Q1022R, Q1003R, Q1102R.
Identifiers: ClinVar variation 4541585 (VCV004541585.1).